The following is an entry in ClinVar:

ClinVar aggregate classification (germline): Pathogenic/Likely pathogenic. Review status: criteria provided, multiple submitters, no conflicts (2 of 4 stars). 3 submissions from 3 submitters: Pathogenic (2); Likely pathogenic (1). Last evaluated 2025-06-05.

Conditions:
Gorlin syndrome. Also called: Nevoid Basal Cell Carcinoma Syndrome; Basal cell nevus syndrome. Identifiers: Orphanet 377, MedGen C0004779, MONDO:0007187.
Hereditary cancer-predisposing syndrome. Also called: Neoplastic Syndromes, Hereditary; Hereditary neoplastic syndrome; Hereditary Cancer Syndrome; Tumor predisposition. Identifiers: Orphanet 140162, MedGen C0027672, MeSH D009386, MONDO:0015356.

Submissions (3):

Ambry Genetics
Classification: Likely pathogenic for Hereditary cancer-predisposing syndrome. Last evaluated: 2025-06-05. Review status: criteria provided, single submitter. Criteria: Ambry Variant Classification Scheme 2023. Collection method: clinical testing. Allele origin: germline.
Comment: The p.L1156R variant (also known as c.3467T>G), located in coding exon 21 of the PTCH1 gene, results from a T to G substitution at nucleotide position 3467. The leucine at codon 1156 is replaced by arginine, an amino acid with dissimilar properties. This variant was reported in individuals with features consistent with PTCH1-related nevoid basal cell carcinoma syndrome (Gianferante DM et al. Mol Genet Genomic Med, 2018 Nov;6:1168-1180; Kim B et al. Sci Rep, 2021 Jan;11:1163; Ambry internal data). This amino acid position is highly conserved in available vertebrate species. In addition, this alteration is predicted to be deleterious by in silico analysis. Based on the majority of available evidence to date, this variant is likely to be pathogenic.

Mendelics
Classification: Pathogenic for Basal cell nevus syndrome 1. Last evaluated: 2022-05-04. Review status: criteria provided, single submitter. Criteria: Mendelics Assertion Criteria 2019. Collection method: clinical testing. Allele origin: germline.

Labcorp Genetics (formerly Invitae), Labcorp
Classification: Pathogenic for Gorlin syndrome. Last evaluated: 2020-09-09. Review status: criteria provided, single submitter. Criteria: Invitae Variant Classification Sherloc (09022015). Collection method: clinical testing. Allele origin: germline.
Comment: For these reasons, this variant has been classified as Pathogenic. Algorithms developed to predict the effect of missense changes on protein structure and function are either unavailable or do not agree on the potential impact of this missense change (SIFT: "Deleterious"; PolyPhen-2: "Probably Damaging"; Align-GVGD: "Class C0"). This variant has been observed in individual(s) with basal cell nevus syndrome (PMID: 30411536, Invitae). It has also been observed to segregate with disease in related individuals. ClinVar contains an entry for this variant (Variation ID: 948335). This variant is not present in population databases (ExAC no frequency). This sequence change replaces leucine with arginine at codon 1156 of the PTCH1 protein (p.Leu1156Arg). The leucine residue is moderately conserved and there is a moderate physicochemical difference between leucine and arginine.

Literature cited by the submitters: PubMed 30411536 (cited by Ambry Genetics and Labcorp Genetics (formerly Invitae), Labcorp); PubMed 33441926 (cited by Ambry Genetics).

NM_000264.5(PTCH1):c.3467T>G (p.Leu1156Arg)

Gene: PTCH1 (patched 1; minus strand). Cytogenetic location: 9q22.32.
Variant type: single nucleotide variant.
Coding change: c.3467T>G on transcript NM_000264.5 (MANE Select); coding-DNA position 3467, T replaced by G.
Protein change: p.Leu1156Arg; replaces leucine 1156 with arginine.
Molecular consequence: missense variant. On other transcripts: non-coding transcript variant (1).
Genome position (GRCh38, 1-based): chr9:95,449,923, A>C on the plus strand (T>G on the coding strand, the complement: PTCH1 is on the minus strand). VCF-style: chr9-95449923-A-C. GRCh37 (hg19) VCF-style: chr9-98212205-A-C.
Other names: c.3269T>G, p.Leu1090Arg (NM_001083602.3); c.3464T>G, p.Leu1155Arg (NM_001083603.3); c.3014T>G, p.Leu1005Arg (NM_001083604.3, NM_001083605.3, NM_001083606.3 and 1 more transcripts); c.3311T>G, p.Leu1104Arg (NM_001354918.2); short protein forms L1090R, L1155R, L1005R, L1104R, L1156R.
Identifiers: ClinVar variation 948335 (VCV000948335.12), dbSNP rs1838315058, ClinGen allele CA374111597.
Genomic context (GRCh38, chr9:95,449,923, plus strand): 5'-GACAAAAGCACGGGAAGCAAAACCAGCCCATTGAGAACGCCGAGGATGGTGAGGATCGCC[A>C]GCACAGCAAAGAAATACCTGGGAGATCAAGAGGAAACGGGAACACGCGCTGTGACAGGGT-3'
Protein context (NP_000255.2, residues 1146-1166): DFIVRYFFAV[Leu1156Arg]AILTILGVLN